The following is an entry in ClinVar:

ClinVar aggregate classification (germline): Uncertain significance. Review status: criteria provided, multiple submitters, no conflicts (2 of 4 stars). 2 submissions from 2 submitters: Uncertain significance (2). Last evaluated 2025-02-09.

Conditions:
WDPCP-related disorder. Also called: WDPCP-related condition.
Bardet-Biedl syndrome (BBS). Identifiers: Orphanet 110, MedGen C0752166, MONDO:0015229.

Allele frequency attached by ClinVar (database versions not stated): gnomAD exomes below 0.00001 and 0.00001; ExAC 0.00001; gnomAD 0.00001; TOPMed 0.00002.
gnomAD v4.1: 10 of 1,613,426 alleles (0.00062%); highest among the groups gnomAD compares: Non-Finnish European, 0.00085%; no homozygotes.

Submissions (2):

PreventionGenetics, part of Exact Sciences
Classification: Uncertain significance for WDPCP-related condition. Last evaluated: 2025-02-09. Review status: criteria provided, single submitter. Criteria: ACMG Guidelines, 2015. Collection method: clinical testing. Allele origin: germline.
Comment: The WDPCP c.1546C>G variant is predicted to result in the amino acid substitution p.Leu516Val. To our knowledge, this variant has not been reported in the literature. This variant is reported in 0.00089% of alleles in individuals of European (Non-Finnish) descent in gnomAD. At this time, the clinical significance of this variant is uncertain due to the absence of conclusive functional and genetic evidence.

Labcorp Genetics (formerly Invitae), Labcorp
Classification: Uncertain significance for Bardet-Biedl syndrome. Last evaluated: 2020-06-05. Review status: criteria provided, single submitter. Criteria: Invitae Variant Classification Sherloc (09022015). Collection method: clinical testing. Allele origin: germline.
Comment: In summary, the available evidence is currently insufficient to determine the role of this variant in disease. Therefore, it has been classified as a Variant of Uncertain Significance. Algorithms developed to predict the effect of missense changes on protein structure and function output the following: SIFT: "Tolerated"; PolyPhen-2: "Benign"; Align-GVGD: "Class C0". The valine amino acid residue is found in multiple mammalian species, suggesting that this missense change does not adversely affect protein function. These predictions have not been confirmed by published functional studies and their clinical significance is uncertain. This variant has not been reported in the literature in individuals with WDPCP-related conditions. This variant is present in population databases (rs766821661, ExAC 0.002%). This sequence change replaces leucine with valine at codon 516 of the WDPCP protein (p.Leu516Val). The leucine residue is weakly conserved and there is a small physicochemical difference between leucine and valine.

NM_015910.7(WDPCP):c.1546C>G (p.Leu516Val)

Gene: WDPCP (WD repeat containing planar cell polarity effector; minus strand). Cytogenetic location: 2p15.
Variant type: single nucleotide variant.
Coding change: c.1546C>G on transcript NM_015910.7 (MANE Select); coding-DNA position 1546, C replaced by G.
Protein change: p.Leu516Val; replaces leucine 516 with valine.
Molecular consequence: missense variant. On other transcripts: non-coding transcript variant (3).
Genome position (GRCh38, 1-based): chr2:63,381,984, G>C on the plus strand (C>G on the coding strand, the complement: WDPCP is on the minus strand). VCF-style: chr2-63381984-G-C. GRCh37 (hg19) VCF-style: chr2-63609119-G-C.
Other names: c.1069C>G, p.Leu357Val (NM_001042692.3); c.1474C>G, p.Leu492Val (NM_001354044.2); c.1546C>G, p.Leu516Val (NM_001354045.2); c.1546C>G (NM_015910.5); short protein forms L357V, L492V, L516V.
Identifiers: ClinVar variation 998938 (VCV000998938.8), dbSNP rs766821661, ClinGen allele CA1682192.